The following is an entry in ClinVar:

ClinVar aggregate classification (germline): Uncertain significance. Review status: criteria provided, multiple submitters, no conflicts (2 of 4 stars). 2 submissions from 2 submitters: Uncertain significance (2). Last evaluated 2024-11-15.

Conditions:
Inborn genetic diseases. Identifiers: MedGen C0950123, MeSH D030342.

Allele frequency attached by ClinVar (database versions not stated): gnomAD 0.00002; gnomAD exomes 0.00002; TOPMed 0.00002.
gnomAD v4.1: 25 of 1,590,598 alleles (0.0016%); highest among the groups gnomAD compares: South Asian, 0.0046%; no homozygotes.

Submissions (2):

Ambry Genetics
Classification: Uncertain significance for Inborn genetic diseases. Last evaluated: 2024-11-15. Review status: criteria provided, single submitter. Criteria: Ambry Variant Classification Scheme 2023. Collection method: clinical testing. Allele origin: germline.

Labcorp Genetics (formerly Invitae), Labcorp
Classification: Uncertain significance. Last evaluated: 2022-06-13. Review status: criteria provided, single submitter. Criteria: Invitae Variant Classification Sherloc (09022015). Collection method: clinical testing. Allele origin: germline.
Comment: In summary, the available evidence is currently insufficient to determine the role of this variant in disease. Therefore, it has been classified as a Variant of Uncertain Significance. Algorithms developed to predict the effect of missense changes on protein structure and function are either unavailable or do not agree on the potential impact of this missense change (SIFT: "Deleterious"; PolyPhen-2: "Benign"; Align-GVGD: "Class C0"). This variant has not been reported in the literature in individuals affected with TENM3-related conditions. The frequency data for this variant in the population databases is considered unreliable, as metrics indicate poor data quality at this position in the gnomAD database. This sequence change replaces arginine, which is basic and polar, with cysteine, which is neutral and slightly polar, at codon 1341 of the TENM3 protein (p.Arg1341Cys).

NM_001080477.4(TENM3):c.4021C>T (p.Arg1341Cys)

Gene: TENM3 (teneurin transmembrane protein 3; plus strand). Cytogenetic location: 4q35.1.
Variant type: single nucleotide variant.
Coding change: c.4021C>T on transcript NM_001080477.4 (MANE Select); coding-DNA position 4021, C replaced by T.
Protein change: p.Arg1341Cys; replaces arginine 1341 with cysteine.
Molecular consequence: missense variant.
Genome position (GRCh38, 1-based): chr4:182,754,388, C>T. VCF-style: chr4-182754388-C-T. GRCh37 (hg19) VCF-style: chr4-183675541-C-T.
Other names: c.3253C>T, p.Arg1085Cys (NM_001415960.1); c.3226C>T, p.Arg1076Cys (NM_001415961.1); c.3223C>T, p.Arg1075Cys (NM_001415962.1); c.3205C>T, p.Arg1069Cys (NM_001415963.1); c.3202C>T, p.Arg1068Cys (NM_001415964.1); c.3739C>T, p.Arg1247Cys (NM_001415966.1); c.3763C>T, p.Arg1255Cys (NM_001415967.1); c.4039C>T, p.Arg1347Cys (NM_001415968.1); and 5 more; short protein forms R1068C, R1069C, R1076C, R1247C, R1340C, R1075C, R1348C, R1085C.
Identifiers: ClinVar variation 1945758 (VCV001945758.6), dbSNP rs995189536, ClinGen allele CA358828631.